The following is an entry in ClinVar:

NM_002693.3(POLG):c.797T>C (p.Val266Ala)

Gene: POLG (DNA polymerase gamma, catalytic subunit; minus strand). Cytogenetic location: 15q26.1.
Variant type: single nucleotide variant.
Coding change: c.797T>C on transcript NM_002693.3 (MANE Select); coding-DNA position 797, T replaced by C.
Protein change: p.Val266Ala; replaces valine 266 with alanine.
Molecular consequence: missense variant.
Genome position (GRCh38, 1-based): chr15:89,330,139, A>G on the plus strand (T>C on the coding strand, the complement: POLG is on the minus strand). VCF-style: chr15-89330139-A-G. GRCh37 (hg19) VCF-style: chr15-89873370-A-G.
Other names: c.797T>C, p.Val266Ala (NM_001126131.2); short protein forms V266A.
Identifiers: ClinVar variation 4883137 (VCV004883137.2).

ClinVar aggregate classification (germline): Uncertain significance (1 of 4 stars; one submission).

Submission:

Dasa
Classification: Uncertain significance. Last evaluated: 2026-02-27. Review status: criteria provided, single submitter. Criteria: DASA Assertion Criteria. Collection method: clinical testing. Allele origin: germline.
Comment: NM_002693.3(POLG):c.797T>C (p.Val266Ala) is a missense variant that results in the substitution of valine with alanine. This variant is rare in population databases. Computational prediction algorithms are consistent with a deleterious effect. The currently available literature and clinical evidence are not sufficient to establish a definitive association between this variant and the reported condition. Therefore, this variant is classified as a variant of uncertain significance.